The following is an entry in ClinVar:

NM_000020.3(ACVRL1):c.611TGG[1] (p.Val205del)

Gene: ACVRL1 (activin A receptor like type 1; plus strand). Cytogenetic location: 12q13.13.
Variant type: Microsatellite.
Coding change: c.611TGG[1] on transcript NM_000020.3 (MANE Select); one copy of the 3-base unit TGG starting at c.611; the reference has two copies in a row; one copy, 3 bases deleted.
Protein change: p.Val205del; deletes valine 205.
Molecular consequence: inframe deletion.
Genome position (GRCh38, 1-based): chr12:51,914,062-51,914,064, TGG deleted; deleting any 3 consecutive bases within chr12:51,914,059-51,914,064 gives the same sequence; the position shown is the placement nearest the transcript's 3' end. VCF-style (leftmost placement, unchanged base first): chr12-51914058-TTGG-T. GRCh37 (hg19) VCF-style: chr12-52307842-TTGG-T.
Other names: c.614_616delTGG (NM_000020.2); c.611TGG[1], p.Val205del (NM_001077401.2); short protein forms V205del.
Identifiers: ClinVar variation 411316 (VCV000411316.8), dbSNP rs1060503250, ClinGen allele CA16614047.

ClinVar aggregate classification (germline): Uncertain significance (1 of 4 stars; one submission).

Conditions:
Telangiectasia, hereditary hemorrhagic, type 2 (HHT2). Also called: ACVRL1-Related Hereditary Hemorrhagic Telangiectasia; Telangiectasia, hereditary hemorrhagic, type II. Identifiers: Orphanet 774, MedGen C1838163, MONDO:0010880, OMIM 600376. Disease mechanism: loss of function.

Submission:

Labcorp Genetics (formerly Invitae), Labcorp
Classification: Uncertain significance for Telangiectasia, hereditary hemorrhagic, type 2. Last evaluated: 2016-10-21. Review status: criteria provided, single submitter. Criteria: Invitae Variant Classification Sherloc (09022015). Collection method: clinical testing. Allele origin: germline.
Comment: In summary, this variant is a novel in-frame deletion with uncertain impact on protein function. It has been classified as a Variant of Uncertain Significance. Experimental studies and prediction algorithms are not available for this variant, and the functional significance of the deleted amino acid is currently unknown. This variant is not present in population databases (ExAC no frequency) and has not been reported in the literature in individuals with a ACVRL1-related disease. This sequence change deletes 3 nucleotides from exon 5 of the ACVRL1 mRNA (c.614_616delTGG). This leads to the deletion of 1 amino acid residue(s) in the ACVRL1 protein (p.Val205del) but otherwise preserves the integrity of the reading frame.